The following is an entry in ClinVar:

NM_001101.5(ACTB):c.955G>A (p.Ala319Thr)

Gene: ACTB (actin beta; minus strand). Cytogenetic location: 7p22.1.
Variant type: single nucleotide variant.
Coding change: c.955G>A on transcript NM_001101.5 (MANE Select); coding-DNA position 955, G replaced by A.
Protein change: p.Ala319Thr; replaces alanine 319 with threonine.
Molecular consequence: missense variant.
Genome position (GRCh38, 1-based): chr7:5,528,033, C>T on the plus strand (G>A on the coding strand, the complement: ACTB is on the minus strand). VCF-style: chr7-5528033-C-T. GRCh37 (hg19) VCF-style: chr7-5567664-C-T.
Other names: short protein forms A319T.
Identifiers: ClinVar variation 2750509 (VCV002750509.3), dbSNP rs1419925551, ClinGen allele CA366699752.

ClinVar aggregate classification (germline): Uncertain significance (1 of 4 stars; one submission).

Conditions:
Baraitser-Winter syndrome 1 (BRWS1). Also called: PACHYGYRIA, MENTAL RETARDATION, EPILEPSY, AND CHARACTERISTIC FACIES; BARAITSER-WINTER SYNDROME 1, ATYPICAL; Cerebrofrontofacial syndrome; MENTAL RETARDATION WITH EPILEPSY AND CHARACTERISTIC FACIES. Identifiers: Orphanet 2649, Orphanet 2995, MedGen C1855722, MONDO:0009470, OMIM 243310.

Submission:

Labcorp Genetics (formerly Invitae), Labcorp
Classification: Uncertain significance for Baraitser-Winter syndrome 1. Last evaluated: 2023-08-05. Review status: criteria provided, single submitter. Criteria: Invitae Variant Classification Sherloc (09022015). Collection method: clinical testing. Allele origin: germline.
Comment: This variant has not been reported in the literature in individuals affected with ACTB-related conditions. This variant is not present in population databases (gnomAD no frequency). This sequence change replaces alanine, which is neutral and non-polar, with threonine, which is neutral and polar, at codon 319 of the ACTB protein (p.Ala319Thr). Advanced modeling of protein sequence and biophysical properties (such as structural, functional, and spatial information, amino acid conservation, physicochemical variation, residue mobility, and thermodynamic stability) performed at Invitae indicates that this missense variant is not expected to disrupt ACTB protein function. In summary, the available evidence is currently insufficient to determine the role of this variant in disease. Therefore, it has been classified as a Variant of Uncertain Significance.